The following is an entry in ClinVar:

ClinVar aggregate classification (germline): Uncertain significance. Review status: criteria provided, single submitter (1 of 4 stars). 2 submissions from 2 submitters: Uncertain significance (1). 1 of the submissions does not count toward it. Last evaluated 2017-12-01.

Conditions:
Malignant tumor of breast. Also called: Malignant breast neoplasm; Cancer breast. Identifiers: MedGen C0006142, MONDO:0007254. Disease mechanism: loss of function.

Submissions (2):

Quest Diagnostics Nichols Institute San Juan Capistrano
Classification: Uncertain significance. Last evaluated: 2017-12-01. Review status: criteria provided, single submitter. Criteria: Quest Diagnostics criteria. Collection method: clinical testing. Allele origin: germline.

Department of Pathology and Laboratory Medicine, Sinai Health System
Classification: Uncertain significance for Malignant tumor of breast. Review status: no assertion criteria provided. Collection method: clinical testing. Allele origin: unknown. Affected: yes. Study: The Canadian Open Genetics Repository (COGR). Not counted in ClinVar's aggregate classification.
Comment: The BRCA2 p.Lys3314Arg variant was not identified in the literature nor was it identified in the dbSNP, ClinVar, LOVD 3.0, or UMD-LSDB databases. The variant was not identified in the following control databases: the Exome Aggregation Consortium (August 8th 2016), or the Genome Aggregation Database (Feb 27, 2017). The p.Lys3314 residue is conserved in mammals but not in more distantly related organisms however four out of five computational analyses (PolyPhen-2, SIFT, AlignGVGD, BLOSUM, MutationTaster) do not suggest a high likelihood of impact to the protein; this information is not predictive enough to rule out pathogenicity. The variant occurs outside of the splicing consensus sequence and in silico or computational prediction software programs (SpliceSiteFinder, MaxEntScan, NNSPLICE, GeneSplicer) do not predict a difference in splicing. In summary, based on the above information the clinical significance of this variant cannot be determined with certainty at this time. This variant is classified as a variant of uncertain significance.

NM_000059.4(BRCA2):c.9941A>G (p.Lys3314Arg)

Gene: BRCA2 (BRCA2 DNA repair associated; plus strand). Cytogenetic location: 13q13.1.
Variant type: single nucleotide variant.
Coding change: c.9941A>G on transcript NM_000059.4 (MANE Select); coding-DNA position 9941, A replaced by G.
Protein change: p.Lys3314Arg; replaces lysine 3314 with arginine.
Molecular consequence: missense variant.
Genome position (GRCh38, 1-based): chr13:32,398,454, A>G. VCF-style: chr13-32398454-A-G. GRCh37 (hg19) VCF-style: chr13-32972591-A-G.
Other names: short protein forms K3314R.
Identifiers: ClinVar variation 619823 (VCV000619823.4), dbSNP rs1566261206, ClinGen allele CA387767235.
Genomic context (GRCh38, chr13:32,398,454, plus strand): 5'-CACAGAAGGCATTTCAGCCACCAAGGAGTTGTGGCACCAAATACGAAACACCCATAAAGA[A>G]AAAAGAACTGAATTCTCCTCAGATGACTCCATTTAAAAAATTCAATGAAATTTCTCTTTT-3'
Protein context (NP_000050.3, residues 3304-3324): CGTKYETPIK[Lys3314Arg]KELNSPQMTP